The following is an entry in ClinVar:

ClinVar aggregate classification (germline): Uncertain significance (1 of 4 stars; one submission).

Conditions:
Autosomal dominant nonsyndromic hearing loss 1. Also called: KONIGSMARK SYNDROME; DEAFNESS, AUTOSOMAL DOMINANT 1, WITH OR WITHOUT THROMBOCYTOPENIA. Identifiers: Orphanet 90635, MedGen C1852282, MONDO:0007424, OMIM 124900.
Progressive microcephaly-seizures-cortical blindness-developmental delay syndrome. Also called: Seizures, cortical blindness, and microcephaly syndrome. Identifiers: Orphanet 477814, MedGen C5567650, MONDO:0014714, OMIM 616632.

Submission:

Labcorp Genetics (formerly Invitae), Labcorp
Classification: Uncertain significance for Progressive microcephaly-seizures-cortical blindness-developmental delay syndrome; Autosomal dominant nonsyndromic hearing loss 1. Last evaluated: 2018-07-12. Review status: criteria provided, single submitter. Criteria: Invitae Variant Classification Sherloc (09022015). Collection method: clinical testing. Allele origin: germline.
Comment: In summary, the available evidence is currently insufficient to determine the role of this variant in disease. Therefore, it has been classified as a Variant of Uncertain Significance. Algorithms developed to predict the effect of missense changes on protein structure and function are either unavailable or do not agree on the potential impact of this missense change (SIFT: "Tolerated"; PolyPhen-2: "Probably Damaging"; Align-GVGD: "Class C0"). This variant has not been reported in the literature in individuals with DIAPH1-related disease. This variant is not present in population databases (ExAC no frequency). This sequence change replaces alanine with threonine at codon 789 of the DIAPH1 protein (p.Ala789Thr). The alanine residue is moderately conserved and there is a small physicochemical difference between alanine and threonine.

NM_005219.5(DIAPH1):c.2365G>A (p.Ala789Thr)

Gene: DIAPH1 (diaphanous related formin 1; minus strand). Cytogenetic location: 5q31.3.
Variant type: single nucleotide variant.
Coding change: c.2365G>A on transcript NM_005219.5 (MANE Select); coding-DNA position 2365, G replaced by A.
Protein change: p.Ala789Thr; replaces alanine 789 with threonine.
Molecular consequence: missense variant.
Genome position (GRCh38, 1-based): chr5:141,572,034, C>T on the plus strand (G>A on the coding strand, the complement: DIAPH1 is on the minus strand). VCF-style: chr5-141572034-C-T. GRCh37 (hg19) VCF-style: chr5-140951601-C-T.
Other names: c.2338G>A, p.Ala780Thr (NM_001079812.3); c.2365G>A, p.Ala789Thr (NM_001314007.2); short protein forms A789T, A780T.
Identifiers: ClinVar variation 647923 (VCV000647923.9), dbSNP rs1596376794, ClinGen allele CA361513783.